The following is an entry in ClinVar:

NM_017807.4(OSGEP):c.232A>G (p.Lys78Glu)

Genes: OSGEP (O-sialoglycoprotein endopeptidase; minus strand), LOC107372315 (OSGEP/APEX1 bi-directional promoter region; plus strand). Cytogenetic location: 14q11.2.
Variant type: single nucleotide variant.
Coding change: c.232A>G on transcript NM_017807.4 (MANE Select); coding-DNA position 232, A replaced by G.
Protein change: p.Lys78Glu; replaces lysine 78 with glutamic acid.
Molecular consequence: missense variant.
Genome position (GRCh38, 1-based): chr14:20,452,332, T>C on the plus strand (A>G on the coding strand, the complement: OSGEP is on the minus strand). VCF-style: chr14-20452332-T-C. GRCh37 (hg19) VCF-style: chr14-20920491-T-C.
Other names: short protein forms K78E.
Identifiers: ClinVar variation 449686 (VCV000449686.4), dbSNP rs200347983, ClinGen allele CA257403341.
Genomic context (GRCh38, chr14:20,452,332, plus strand): 5'-TGACCTAGCCAGGTTGCAGGTATATTCCTCCATCGTTGACCACTCTCCCAGCCATACCCT[T>C]GGTGTATGCAATGCAGTCGATATCCTGGGAGGTTAATCCAGACTCTGTTAGTGCCTCCTG-3'
Protein context (NP_060277.1, residues 68-88): SQDIDCIAYT[Lys78Glu]GPGMGAPLVS

ClinVar aggregate classification (germline): Likely pathogenic (1 of 4 stars; one submission).

Allele frequency attached by ClinVar (database versions not stated): TOPMed 0.00001.
gnomAD v4.1: 1 of 1,613,644 alleles (0.000062%); no homozygotes.

Submission:

GeneDx
Classification: Likely pathogenic. Last evaluated: 2022-08-22. Review status: criteria provided, single submitter. Criteria: GeneDx Variant Classification Process June 2021. Collection method: clinical testing. Allele origin: germline. Affected: yes.
Comment: Not observed at significant frequency in large population cohorts (gnomAD); In silico analysis supports that this missense variant has a deleterious effect on protein structure/function; This variant is associated with the following publications: (PMID: 28805828)